The following is an entry in ClinVar:

NM_018240.7(KIRREL1):c.1728G>A (p.Lys576=)

Genes: KIRREL1 (kirre like nephrin family adhesion molecule 1; plus strand), LOC126805884 (BRD4-independent group 4 enhancer GRCh37_chr1:158063276-158064475; plus strand). Cytogenetic location: 1q23.1.
Variant type: single nucleotide variant.
Coding change: c.1728G>A on transcript NM_018240.7 (MANE Select); coding-DNA position 1728, G replaced by A.
Protein change: p.Lys576=; no amino-acid change (lysine 576 retained).
Molecular consequence: synonymous variant.
Genome position (GRCh38, 1-based): chr1:158,094,321, G>A. VCF-style: chr1-158094321-G-A. GRCh37 (hg19) VCF-style: chr1-158064111-G-A.
Other names: c.1428G>A, p.Lys476= (NM_001286349.2).
Identifiers: ClinVar variation 3036422 (VCV003036422.2), dbSNP rs145953444, ClinGen allele CA1177780.

ClinVar aggregate classification (germline): Likely benign (0 of 4 stars; one submission).

Conditions:
KIRREL1-related disorder. Also called: KIRREL1-related condition.

Allele frequency attached by ClinVar (database versions not stated): ExAC 0.00030; 1000 Genomes Project 0.00040; 1000 Genomes Project 30x 0.00047; gnomAD 0.00048; TOPMed 0.00054; ESP Exome Variant Server 0.00092.
gnomAD v4.1: 134 of 1,581,172 alleles (0.0085%); highest among the groups gnomAD compares: African/African-American, 0.17%; no homozygotes.

Submission:

PreventionGenetics, part of Exact Sciences
Classification: Likely benign for KIRREL1-related condition. Last evaluated: 2023-07-27. Review status: no assertion criteria provided. Collection method: clinical testing. Allele origin: germline.
Comment: This variant is classified as likely benign based on ACMG/AMP sequence variant interpretation guidelines (Richards et al. 2015 PMID: 25741868, with internal and published modifications).